The following is an entry in ClinVar:

NM_025193.4(HSD3B7):c.695-5G>A

Gene: HSD3B7 (hydroxy-delta-5-steroid dehydrogenase, 3 beta- and steroid delta-isomerase 7; plus strand). Cytogenetic location: 16p11.2.
Variant type: single nucleotide variant.
Coding change: c.695-5G>A on transcript NM_025193.4 (MANE Select); 5 bases into the intron before coding-DNA position 695, G replaced by A.
Molecular consequence: intron variant.
Genome position (GRCh38, 1-based): chr16:30,987,763, G>A. VCF-style: chr16-30987763-G-A. GRCh37 (hg19) VCF-style: chr16-30999084-G-A.
Other names: c.532-5G>A (NM_001142777.2, NM_001142778.2); c.695-5G>A (NM_025193.3).
Identifiers: ClinVar variation 598499 (VCV000598499.9), dbSNP rs201111173, ClinGen allele CA8018098.

ClinVar aggregate classification (germline): Conflicting classifications of pathogenicity. Review status: criteria provided, conflicting classifications (1 of 4 stars). 4 submissions from 4 submitters: Uncertain significance (2); Likely benign (2). Last evaluated 2025-09-27.

Conditions:
HSD3B7-related disorder. Also called: HSD3B7-related condition.

Allele frequency attached by ClinVar (database versions not stated): gnomAD 0.00021 and 0.00019; TOPMed 0.00006; 1000 Genomes Project 30x 0.00016; ExAC 0.00016; gnomAD exomes 0.00019; 1000 Genomes Project 0.00020.

Submissions (4):

PreventionGenetics, part of Exact Sciences
Classification: Likely benign for HSD3B7-related condition. Last evaluated: 2025-09-27. Review status: criteria provided, single submitter. Criteria: ACMG Guidelines, 2015. Collection method: clinical testing. Allele origin: germline.
Comment: This variant is classified as likely benign based on ACMG/AMP sequence variant interpretation guidelines (Richards et al. 2015 PMID: 25741868, with internal and published modifications).

Labcorp Genetics (formerly Invitae), Labcorp
Classification: Likely benign. Last evaluated: 2024-12-14. Review status: criteria provided, single submitter. Criteria: Invitae Variant Classification Sherloc (09022015). Collection method: clinical testing. Allele origin: germline.

Blueprint Genetics
Classification: Uncertain significance. Last evaluated: 2024-06-07. Review status: criteria provided, single submitter. Criteria: ACMG Guidelines, 2015. Collection method: clinical testing. Allele origin: germline.

Eurofins Ntd Llc (ga)
Classification: Uncertain significance. Last evaluated: 2018-08-22. Review status: criteria provided, single submitter. Criteria: EGL ClinVar v180209 classification definitions. Collection method: clinical testing. Allele origin: germline. Observed: 1 variant allele, 1 heterozygote.